The following is an entry in ClinVar:

NM_000195.5(HPS1):c.1198del (p.Asp400fs)

Gene: HPS1 (HPS1 biogenesis of lysosomal organelles complex 3 subunit 1; minus strand). Cytogenetic location: 10q24.2.
Variant type: Deletion.
Coding change: c.1198del on transcript NM_000195.5 (MANE Select); coding-DNA position 1198, one base deleted (G; older notation c.1198delG).
Protein change: p.Asp400fs; shifts the reading frame from aspartic acid 400.
Molecular consequence: frameshift variant.
Genome position (GRCh38, 1-based): chr10:98,425,678, C deleted on the plus strand (G on the coding strand, the reverse complement: HPS1 is on the minus strand); the first of 2 consecutive C bases (chr10:98,425,678-98,425,679); deleting either gives the same sequence. VCF-style (leftmost placement, unchanged base first): chr10-98425677-TC-T. GRCh37 (hg19) VCF-style: chr10-100185434-TC-T.
Other names: c.226del, p.Asp76fs (NM_001311345.2, NM_001322487.2, NM_001322489.2); c.1198del, p.Asp400fs (NM_001322476.2, NM_001322477.2); c.1099del, p.Asp367fs (NM_001322478.2, NM_001322479.2); c.937del, p.Asp313fs (NM_001322480.2, NM_001322481.2); c.838del, p.Asp280fs (NM_001322482.2); c.829del, p.Asp277fs (NM_001322483.2, NM_001322484.2); c.730del, p.Asp244fs (NM_001322485.2); short protein forms D244fs, D277fs, D280fs, D313fs, D367fs, D400fs, D76fs.
Identifiers: ClinVar variation 2676040 (VCV002676040.4), dbSNP rs2538834658, ClinGen allele CA2695201027.

ClinVar aggregate classification (germline): Pathogenic/Likely pathogenic. Review status: criteria provided, multiple submitters, no conflicts (2 of 4 stars). 2 submissions from 2 submitters: Pathogenic (1); Likely pathogenic (1). Last evaluated 2026-01-06.

Conditions:
Hermansky-Pudlak syndrome 1 (HPS1). Also called: DELTA STORAGE POOL DISEASE. Identifiers: Orphanet 231500, Orphanet 79430, MedGen C2931875, MONDO:0008748, OMIM 203300.

Submissions (2):

Labcorp Genetics (formerly Invitae), Labcorp
Classification: Pathogenic. Last evaluated: 2026-01-06. Review status: criteria provided, single submitter. Criteria: Invitae Variant Classification Sherloc (09022015). Collection method: clinical testing. Allele origin: germline.
Comment: This sequence change creates a premature translational stop signal (p.Asp400Metfs*10) in the HPS1 gene. It is expected to result in an absent or disrupted protein product. Loss-of-function variants in HPS1 are known to be pathogenic (PMID: 12442288, 16185271). This variant is not present in population databases (gnomAD no frequency). This variant has not been reported in the literature in individuals affected with HPS1-related conditions. ClinVar contains an entry for this variant (Variation ID: 2676040). For these reasons, this variant has been classified as Pathogenic.

Baylor Genetics
Classification: Likely pathogenic for Hermansky-Pudlak syndrome 1. Last evaluated: 2023-08-17. Review status: criteria provided, single submitter. Criteria: ACMG Guidelines, 2015. Collection method: clinical testing. Allele origin: unknown.

Literature cited by the submitters: PubMed 12442288 (cited by Labcorp Genetics (formerly Invitae), Labcorp); PubMed 16185271 (cited by Labcorp Genetics (formerly Invitae), Labcorp).